The following is an entry in ClinVar:

ClinVar aggregate classification (germline): Pathogenic/Likely pathogenic. Review status: criteria provided, multiple submitters, no conflicts (2 of 4 stars). 4 submissions from 4 submitters: Pathogenic (1); Likely pathogenic (2). 1 of the submissions does not count toward it. Last evaluated 2025-03-26.

Conditions:
Smith-Lemli-Opitz syndrome (SLOS). Also called: 7-Dehydrocholesterol reductase deficiency; POLYDACTYLY, SEX REVERSAL, RENAL HYPOPLASIA, AND UNILOBAR LUNG; RSH SYNDROME; RUTLEDGE LETHAL MULTIPLE CONGENITAL ANOMALY SYNDROME; LETHAL ACRODYSGENITAL SYNDROME. Identifiers: Orphanet 818, MedGen C0175694, MONDO:0010035, OMIM 270400.

Submissions (4):

Natera, Inc.
Classification: Likely pathogenic for Smith-Lemli-Opitz syndrome. Last evaluated: 2025-03-26. Review status: criteria provided, single submitter. Criteria: Natera Variant Classification Schema (03/2026). Collection method: clinical testing. Allele origin: germline.
Comment: The c.1376G>A variant in DHCR7 is a nonsense variant predicted to introduce a stop codon at amino acid 459. This variant is expected to result in nonsense mediated decay, truncation, or a dysfunctional protein product. This variant is rare in the general population with a frequency below the threshold expected for the associated phenotype(s). This variant has been observed in one or more individuals affected with the associated recessive disease, as either homozygous or compound heterozygous with a second variant (PMID: 31088393). Given the available evidence, this variant is classified as Likely Pathogenic.

Fulgent Genetics
Classification: Likely pathogenic for Smith-Lemli-Opitz syndrome. Last evaluated: 2024-01-26. Review status: criteria provided, single submitter. Criteria: ACMG Guidelines, 2015. Collection method: clinical testing. Allele origin: germline.

Labcorp Genetics (formerly Invitae), Labcorp
Classification: Pathogenic for Smith-Lemli-Opitz syndrome. Last evaluated: 2023-05-22. Review status: criteria provided, single submitter. Criteria: Invitae Variant Classification Sherloc (09022015). Collection method: clinical testing. Allele origin: germline.
Comment: This premature translational stop signal has been observed in individual(s) with clinical features of Smith–Lemli–Opitz syndrome (PMID: 31088393). ClinVar contains an entry for this variant (Variation ID: 558361). This variant is not present in population databases (gnomAD no frequency). This variant disrupts a region of the DHCR7 protein in which other variant(s) (p.Leu470Gln) have been determined to be pathogenic (PMID: 15464432, 22391996). This suggests that this is a clinically significant region of the protein, and that variants that disrupt it are likely to be disease-causing. For these reasons, this variant has been classified as Pathogenic. This sequence change creates a premature translational stop signal (p.Trp459*) in the DHCR7 gene. While this is not anticipated to result in nonsense mediated decay, it is expected to disrupt the last 17 amino acid(s) of the DHCR7 protein.

Counsyl
Classification: Uncertain significance for Smith-Lemli-Opitz syndrome. Last evaluated: 2018-05-23. Review status: no assertion criteria provided. Collection method: clinical testing. Allele origin: unknown. Not counted in ClinVar's aggregate classification.

Literature cited by the submitters: PubMed 31088393 (cited by Natera, Inc. and Labcorp Genetics (formerly Invitae), Labcorp); PubMed 15464432 (cited by Labcorp Genetics (formerly Invitae), Labcorp); PubMed 22391996 (cited by Labcorp Genetics (formerly Invitae), Labcorp).

NM_001360.3(DHCR7):c.1376G>A (p.Trp459Ter)

Gene: DHCR7 (7-dehydrocholesterol reductase; minus strand). Cytogenetic location: 11q13.4.
Variant type: single nucleotide variant.
Coding change: c.1376G>A on transcript NM_001360.3 (MANE Select); coding-DNA position 1376, G replaced by A.
Protein change: p.Trp459Ter; replaces tryptophan 459 with a stop codon.
Molecular consequence: nonsense.
Genome position (GRCh38, 1-based): chr11:71,435,427, C>T on the plus strand (G>A on the coding strand, the complement: DHCR7 is on the minus strand). VCF-style: chr11-71435427-C-T. GRCh37 (hg19) VCF-style: chr11-71146473-C-T.
Other names: c.1376G>A, p.Trp459Ter (NM_001163817.2); short protein forms W459*.
Identifiers: ClinVar variation 558361 (VCV000558361.7), dbSNP rs1555145550, ClinGen allele CA381700586.